The following is an entry in ClinVar:

NM_000444.6(PHEX):c.1700+2T>C

Genes: PHEX (phosphate regulating endopeptidase X-linked; plus strand), PTCHD1-AS (PTCHD1 and PHEX antisense RNA; minus strand). Cytogenetic location: Xp22.11.
Variant type: single nucleotide variant.
Coding change: c.1700+2T>C on transcript NM_000444.6 (MANE Select); the canonical splice donor site of the intron after coding-DNA position 1700, T replaced by C.
Molecular consequence: splice donor variant.
Genome position (GRCh38, 1-based): chrX:22,212,960, T>C. VCF-style: chrX-22212960-T-C. GRCh37 (hg19) VCF-style: chrX-22231077-T-C.
Other names: c.1700+2T>C (NM_001282754.2).
Identifiers: ClinVar variation 438568 (VCV000438568.9), dbSNP rs1556128253, ClinGen allele CA412575713.

ClinVar aggregate classification (germline): Pathogenic. Review status: criteria provided, multiple submitters, no conflicts (2 of 4 stars). 3 submissions from 3 submitters: Pathogenic (3). Last evaluated 2024-07-15.

Conditions:
Hypophosphatemic rickets. Identifiers: MedGen C1704375, MeSH D063730, MONDO:0024300, HP:0004912.
PHEX-related disorder. Also called: PHEX-related condition.
Familial X-linked hypophosphatemic vitamin D refractory rickets (XLHRD). Also called: X-Linked Hypophosphatemia; HYPOPHOSPHATEMIC VITAMIN D-RESISTANT RICKETS; Hypophosphatemic Rickets, X-Linked Dominant; Hypophosphatemia, vitamin D-resistant rickets; Vitamin D-resistant rickets, X-linked. Identifiers: Orphanet 89936, MedGen C0733682, MONDO:0010619, OMIM 307800.

Submissions (3):

Blueprint Genetics
Classification: Pathogenic for PHEX-related disorders. Last evaluated: 2024-07-15. Review status: criteria provided, single submitter. Criteria: ACMG Guidelines, 2015. Collection method: clinical testing. Allele origin: germline. Affected: yes. Observed: 1 variant allele.

Laboratory of Cyto-molecular Genetics, Department of Anatomy, All India Institute of Medical Sciences (AIIMS), New Delhi
Classification: Pathogenic for Hypophosphatemic rickets. Last evaluated: 2022-02-07. Review status: criteria provided, single submitter. Criteria: ACMG Guidelines, 2015. Collection method: clinical testing. Allele origin: de novo. Affected: yes. Observed: 1 variant allele.
Comment: NC_000023.10(PHEX_v001):c.1700+2T>C;splice site variant at exon 16-intron 16 junction

Institute of Human Genetics Munich, TUM University Hospital
Classification: Pathogenic for Familial X-linked hypophosphatemic vitamin D refractory rickets. Last evaluated: 2015-04-14. Review status: criteria provided, single submitter. Criteria: Classification criteria August 2017. Collection method: clinical testing. Allele origin: germline. Inheritance: X-linked inheritance. Affected: yes. Observed: 1 heterozygote.

Literature cited by the submitters: PubMed 35738466 (cited by Laboratory of Cyto-molecular Genetics, Department of Anatomy, All India Institute of Medical Sciences (AIIMS), New Delhi); PubMed 9199930 (cited by Institute of Human Genetics Munich, TUM University Hospital).